The following is an entry in ClinVar:

NM_025207.5(FLAD1):c.1555-76G>T

Gene: FLAD1 (flavin adenine dinucleotide synthetase 1; plus strand). Cytogenetic location: 1q21.3.
Variant type: single nucleotide variant.
Coding change: c.1555-76G>T on transcript NM_025207.5 (MANE Select); 76 bases into the intron before coding-DNA position 1555, G replaced by T.
Molecular consequence: intron variant.
Genome position (GRCh38, 1-based): chr1:154,992,637, G>T. VCF-style: chr1-154992637-G-T. GRCh37 (hg19) VCF-style: chr1-154965113-G-T.
Other names: NC_000001.10:g.154965113G>T; c.1264-76G>T (NM_001184891.2, NM_201398.3).
Identifiers: ClinVar variation 676270 (VCV000676270.3), dbSNP rs7535144, ClinGen allele CA1134613.

ClinVar aggregate classification (germline): Benign. Review status: criteria provided, multiple submitters, no conflicts (2 of 4 stars). 2 submissions from 2 submitters: Benign (2). Last evaluated 2018-06-16.

Allele frequency attached by ClinVar (database versions not stated): gnomAD exomes 0.03711 and 0.04852; ExAC 0.05457; 1000 Genomes Project 0.10104; TOPMed 0.10210; ESP Exome Variant Server 0.10290; 1000 Genomes Project 30x 0.10447.
gnomAD v4.1: 69,321 of 1,613,972 alleles (4.3%); highest among the groups gnomAD compares: African/African-American, 27%; 3,691 homozygotes.

Submissions (16):

GeneDx
Classification: Benign. Last evaluated: 2018-06-16. Review status: criteria provided, single submitter. Criteria: GeneDx Variant Classification (06012015). Collection method: clinical testing. Allele origin: germline. Affected: yes.
Comment: This variant is considered likely benign or benign based on one or more of the following criteria: it is a conservative change, it occurs at a poorly conserved position in the protein, it is predicted to be benign by multiple in silico algorithms, and/or has population frequency not consistent with disease.

Breakthrough Genomics
Classification: Benign. Review status: criteria provided, single submitter. Criteria: ACMG Guidelines, 2015. Collection method: not provided. Allele origin: germline. Inheritance: Autosomal recessive inheritance. Affected: yes.

Dr. Peter K. Rogan Lab, Western University
No classification provided (evidence only). Condition: Colon adenocarcinoma. Review status: no classification provided. Collection method: in vitro. Allele origin: not applicable. Functional consequence: retained intron. Not counted in ClinVar's aggregate classification.

Dr. Peter K. Rogan Lab, Western University
No classification provided (evidence only). Condition: Colon adenocarcinoma. Review status: no classification provided. Collection method: in vitro. Allele origin: not applicable. Functional consequence: retained intron. Not counted in ClinVar's aggregate classification.

Dr. Peter K. Rogan Lab, Western University
No classification provided (evidence only). Condition: Colorectal cancer. Review status: no classification provided. Collection method: in vitro. Allele origin: not applicable. Functional consequence: retained intron. Not counted in ClinVar's aggregate classification.

Dr. Peter K. Rogan Lab, Western University
No classification provided (evidence only). Condition: Colorectal cancer. Review status: no classification provided. Collection method: in vitro. Allele origin: not applicable. Functional consequence: retained intron. Not counted in ClinVar's aggregate classification.

Dr. Peter K. Rogan Lab, Western University
No classification provided (evidence only). Condition: Colorectal cancer. Review status: no classification provided. Collection method: in vitro. Allele origin: not applicable. Functional consequence: retained intron. Not counted in ClinVar's aggregate classification.

Dr. Peter K. Rogan Lab, Western University
No classification provided (evidence only). Condition: Nonpapillary renal cell carcinoma. Review status: no classification provided. Collection method: in vitro. Allele origin: not applicable. Functional consequence: retained intron. Not counted in ClinVar's aggregate classification.

Dr. Peter K. Rogan Lab, Western University
No classification provided (evidence only). Condition: Thymoma. Review status: no classification provided. Collection method: in vitro. Allele origin: not applicable. Functional consequence: retained intron. Not counted in ClinVar's aggregate classification.

Dr. Peter K. Rogan Lab, Western University
No classification provided (evidence only). Condition: Thymoma. Review status: no classification provided. Collection method: in vitro. Allele origin: not applicable. Functional consequence: retained intron. Not counted in ClinVar's aggregate classification.

Dr. Peter K. Rogan Lab, Western University
No classification provided (evidence only). Condition: Thymoma. Review status: no classification provided. Collection method: in vitro. Allele origin: not applicable. Functional consequence: retained intron. Not counted in ClinVar's aggregate classification.

Dr. Peter K. Rogan Lab, Western University
No classification provided (evidence only). Condition: Thymoma. Review status: no classification provided. Collection method: in vitro. Allele origin: not applicable. Functional consequence: retained intron. Not counted in ClinVar's aggregate classification.

Dr. Peter K. Rogan Lab, Western University
No classification provided (evidence only). Condition: Thymoma. Review status: no classification provided. Collection method: in vitro. Allele origin: not applicable. Functional consequence: retained intron. Not counted in ClinVar's aggregate classification.

Dr. Peter K. Rogan Lab, Western University
No classification provided (evidence only). Condition: Adrenocortical carcinoma, hereditary. Review status: no classification provided. Collection method: in vitro. Allele origin: not applicable. Functional consequence: retained intron. Not counted in ClinVar's aggregate classification.

Dr. Peter K. Rogan Lab, Western University
No classification provided (evidence only). Condition: Uveal melanoma. Review status: no classification provided. Collection method: in vitro. Allele origin: not applicable. Functional consequence: retained intron. Not counted in ClinVar's aggregate classification.

Dr. Peter K. Rogan Lab, Western University
No classification provided (evidence only). Condition: Uveal melanoma. Review status: no classification provided. Collection method: in vitro. Allele origin: not applicable. Functional consequence: retained intron. Not counted in ClinVar's aggregate classification.